The following is an entry in ClinVar:

NM_017849.4(TMEM127):c.438T>C (p.Phe146=)

Gene: TMEM127 (transmembrane protein 127; minus strand). Cytogenetic location: 2q11.2.
Variant type: single nucleotide variant.
Coding change: c.438T>C on transcript NM_017849.4 (MANE Select); coding-DNA position 438, T replaced by C.
Protein change: p.Phe146=; no amino-acid change (phenylalanine 146 retained).
Molecular consequence: synonymous variant.
Genome position (GRCh38, 1-based): chr2:96,254,087, A>G on the plus strand (T>C on the coding strand, the complement: TMEM127 is on the minus strand). VCF-style: chr2-96254087-A-G. GRCh37 (hg19) VCF-style: chr2-96919825-A-G.
Other names: c.438T>C, p.Phe146= (NM_001193304.3).
Identifiers: ClinVar variation 1136307 (VCV001136307.13), dbSNP rs774321958, ClinGen allele CA1777302.

ClinVar aggregate classification (germline): Benign/Likely benign. Review status: criteria provided, multiple submitters, no conflicts (2 of 4 stars). 3 submissions from 3 submitters: Benign (1); Likely benign (2). Last evaluated 2026-07-30.

Conditions:
Hereditary cancer-predisposing syndrome. Also called: Hereditary Cancer Syndrome; Hereditary neoplastic syndrome; Neoplastic Syndromes, Hereditary; Tumor predisposition. Identifiers: Orphanet 140162, MedGen C0027672, MeSH D009386, MONDO:0015356.
Hereditary pheochromocytoma and paraganglioma. Also called: Hereditary paragangliomas and pheochromocytomas; Hereditary Paraganglioma-Pheochromocytoma Syndromes; Hereditary pheochromocytoma-paraganglioma. Identifiers: Orphanet 29072, MedGen C4274332, MONDO:0017366.

Allele frequency attached by ClinVar (database versions not stated): gnomAD exomes below 0.00001 and 0.00001; ExAC 0.00002; gnomAD 0.00002; TOPMed 0.00001.
gnomAD v4.1: 4 of 1,614,074 alleles (0.00025%); highest among the groups gnomAD compares: African/African-American, 0.0053%; no homozygotes.

Submissions (3):

Myriad Genetics, Inc.
Classification: Benign for Hereditary pheochromocytoma and paraganglioma. Last evaluated: 2026-07-30. Review status: criteria provided, single submitter. Criteria: Myriad Autosomal Dominant, Autosomal Recessive and X-Linked Classification Criteria (2023). Collection method: clinical testing. Allele origin: unknown.
Comment: This variant is considered benign. This variant is a silent/synonymous amino acid change and it is not expected to impact splicing.

Labcorp Genetics (formerly Invitae), Labcorp
Classification: Likely benign for Hereditary pheochromocytoma and paraganglioma. Last evaluated: 2025-03-31. Review status: criteria provided, single submitter. Criteria: Invitae Variant Classification Sherloc (09022015). Collection method: clinical testing. Allele origin: germline.

Ambry Genetics
Classification: Likely benign for Hereditary cancer-predisposing syndrome. Last evaluated: 2019-11-29. Review status: criteria provided, single submitter. Criteria: Ambry Variant Classification Scheme 2023. Collection method: clinical testing. Allele origin: germline.